The following is an entry in ClinVar:

ClinVar aggregate classification (germline): Pathogenic (1 of 4 stars; one submission).

Conditions:
Microphthalmia, syndromic 9. Also called: ANOPHTHALMIA, CLINICAL, WITH MILD FACIAL DYSMORPHISM AND VARIABLE MALFORMATIONS OF THE LUNG, HEART, AND DIAPHRAGM; ANOPHTHALMIA/MICROPHTHALMIA AND PULMONARY HYPOPLASIA; PULMONARY AGENESIS, MICROPHTHALMIA, AND DIAPHRAGMATIC DEFECT; SPEAR SYNDROME; Matthew-Wood syndrome. Identifiers: Orphanet 2470, MedGen C1832661, MONDO:0011010, OMIM 601186.

Submission:

Labcorp Genetics (formerly Invitae), Labcorp
Classification: Pathogenic for Microphthalmia, syndromic 9. Last evaluated: 2020-07-20. Review status: criteria provided, single submitter. Criteria: Invitae Variant Classification Sherloc (09022015). Collection method: clinical testing. Allele origin: germline.
Comment: Loss-of-function variants in STRA6 are known to be pathogenic (PMID: 17273977, 19309693). For these reasons, this variant has been classified as Pathogenic. This variant has not been reported in the literature in individuals with STRA6-related disease. This variant is not present in population databases (ExAC no frequency). This sequence change creates a premature translational stop signal (p.Asp560Argfs*14) in the STRA6 gene. It is expected to result in an absent or disrupted protein product.

Literature cited by the submitters: PubMed 17273977; PubMed 19309693.

NM_022369.4(STRA6):c.1676dup (p.Asp560fs)

Gene: STRA6 (signaling receptor and transporter of retinol STRA6; minus strand). Cytogenetic location: 15q24.1.
Variant type: Duplication.
Coding change: c.1676dup on transcript NM_022369.4 (MANE Select); coding-DNA position 1676, one base duplicated (T; older notation c.1676dupT).
Protein change: p.Asp560fs; shifts the reading frame from aspartic acid 560.
Molecular consequence: frameshift variant.
Genome position (GRCh38, 1-based): chr15:74,181,303, A duplicated on the plus strand (T on the coding strand, the reverse complement: STRA6 is on the minus strand). VCF-style (leftmost placement, unchanged base first): chr15-74181302-G-GA. GRCh37 (hg19) VCF-style: chr15-74473643-G-GA.
Other names: c.1676dup, p.Asp560fs (NM_001142617.2, NM_001142618.2); c.1649dup, p.Asp551fs (NM_001142619.2); c.1787dup, p.Asp597fs (NM_001199040.2); c.1721dup, p.Asp575fs (NM_001199041.2); c.1793dup, p.Asp599fs (NM_001199042.2); c.1676dupT (NM_022369.3); short protein forms D599fs, D575fs, D597fs, D551fs, D560fs.
Identifiers: ClinVar variation 572841 (VCV000572841.7), dbSNP rs1567177198, ClinGen allele CA891844343.